The following is an entry in ClinVar:

ClinVar aggregate classification (germline): Likely pathogenic (1 of 4 stars; one submission).

Conditions:
Hearing loss, autosomal dominant 82. Also called: Deafness, autosomal dominant 82. Identifiers: MedGen C5676948, MONDO:0030719, OMIM 619804.

Submission:

3billion
Classification: Likely pathogenic for Hearing loss, autosomal dominant 82. Last evaluated: 2022-09-01. Review status: criteria provided, single submitter. Criteria: ACMG Guidelines, 2015. Collection method: clinical testing. Allele origin: germline. Affected: yes. Observed: 1 heterozygote.
Comment: The variant is not observed in the gnomAD v2.1.1 dataset. Frameshift variant is predicted to result in a loss or disruption of normal protein function through nonsense-mediated decay (NMD) or protein truncation. Multiple pathogenic variants are reported downstream of the variant. This variant is classified as Likely pathogenic according to the recommendation of ACMG/AMP guideline.

NM_001001331.4(ATP2B2):c.945dup (p.Asp316fs)

Gene: ATP2B2 (ATPase plasma membrane Ca2+ transporting 2; minus strand). Cytogenetic location: 3p25.3.
Variant type: Duplication.
Coding change: c.945dup on transcript NM_001001331.4 (MANE Select); coding-DNA position 945, one base duplicated (A; older notation c.945dupA).
Protein change: p.Asp316fs; shifts the reading frame from aspartic acid 316.
Molecular consequence: frameshift variant. On other transcripts: intron variant (4).
Genome position (GRCh38, 1-based): chr3:10,385,323, T duplicated on the plus strand (A on the coding strand, the reverse complement: ATP2B2 is on the minus strand). VCF-style (leftmost placement, unchanged base first): chr3-10385322-C-CT. GRCh37 (hg19) VCF-style: chr3-10427006-C-CT.
Other names: c.907+2954dup (NM_001353564.1, NM_001683.5, NM_001330611.3 and 1 more transcripts); short protein forms D316fs.
Identifiers: ClinVar variation 1705725 (VCV001705725.1), dbSNP rs2470498291, ClinGen allele CA2580068391.
Genomic context (GRCh38, chr3:10,385,322, plus strand): 5'-ACATACCATTGACTAGGCTGGCATTCGCACTATCTGCAGCATTTGAAGCTGCCGCACCGT[C>CT]TGCTGCTGCAGGGGGGTGGGAGGGATGGAAAATGCAGTGTCACAATGGAGAAAAGCAACA-3'